The following is an entry in ClinVar:

NM_001025356.3(ANO6):c.407A>G (p.Tyr136Cys)

Gene: ANO6 (anoctamin 6; plus strand). Cytogenetic location: 12q12.
Variant type: single nucleotide variant.
Coding change: c.407A>G on transcript NM_001025356.3 (MANE Select); coding-DNA position 407, A replaced by G.
Protein change: p.Tyr136Cys; replaces tyrosine 136 with cysteine.
Molecular consequence: missense variant.
Genome position (GRCh38, 1-based): chr12:45,348,089, A>G. VCF-style: chr12-45348089-A-G. GRCh37 (hg19) VCF-style: chr12-45741872-A-G.
Other names: c.407A>G, p.Tyr136Cys (NM_001142679.2); c.470A>G, p.Tyr157Cys (NM_001204803.2); c.374A>G, p.Tyr125Cys (NM_001410973.1); c.353A>G, p.Tyr118Cys (NM_001142678.2); short protein forms Y118C, Y125C, Y157C, Y136C.
Identifiers: ClinVar variation 2984868 (VCV002984868.3), dbSNP rs1216530333, ClinGen allele CA384465642.

ClinVar aggregate classification (germline): Uncertain significance (1 of 4 stars; one submission).

Allele frequency attached by ClinVar (database versions not stated): TOPMed 0.00001; gnomAD 0.00001.
gnomAD v4.1: 2 of 1,613,964 alleles (0.00012%); highest among the groups gnomAD compares: Admixed American, 0.0017%; no homozygotes.

Submission:

Labcorp Genetics (formerly Invitae), Labcorp
Classification: Uncertain significance. Last evaluated: 2025-06-14. Review status: criteria provided, single submitter. Criteria: Invitae Variant Classification Sherloc (09022015). Collection method: clinical testing. Allele origin: germline.
Comment: This sequence change replaces tyrosine, which is neutral and polar, with cysteine, which is neutral and slightly polar, at codon 136 of the ANO6 protein (p.Tyr136Cys). This variant is present in population databases (no rsID available, gnomAD 0.006%). This variant has not been reported in the literature in individuals affected with ANO6-related conditions. ClinVar contains an entry for this variant (Variation ID: 2984868). An algorithm developed to predict the effect of missense changes on protein structure and function (PolyPhen-2) suggests that this variant is likely to be disruptive. In summary, the available evidence is currently insufficient to determine the role of this variant in disease. Therefore, it has been classified as a Variant of Uncertain Significance.